The following is an entry in ClinVar:

ClinVar aggregate classification (germline): Uncertain significance (1 of 4 stars; one submission).

Conditions:
Glycogen storage disease, type II (IOPD). Also called: Glycogen storage disease type 2; Acid maltase deficiency disease; Aglucosidase alfa; Deficiency of alpha-glucosidase; Deficiency of lysosomal alpha-glucosidase; Glucosidase acid-1,4-alpha deficiency. Identifiers: Orphanet 365, MedGen C0017921, MONDO:0009290, OMIM 232300.

Submission:

Labcorp Genetics (formerly Invitae), Labcorp
Classification: Uncertain significance for Glycogen storage disease, type II. Last evaluated: 2023-08-25. Review status: criteria provided, single submitter. Criteria: Invitae Variant Classification Sherloc (09022015). Collection method: clinical testing. Allele origin: germline.
Comment: In summary, the available evidence is currently insufficient to determine the role of this variant in disease. Therefore, it has been classified as a Variant of Uncertain Significance. Algorithms developed to predict the effect of sequence changes on RNA splicing suggest that this variant is not likely to affect RNA splicing. This variant has not been reported in the literature in individuals affected with GAA-related conditions. This variant is not present in population databases (gnomAD no frequency). This sequence change affects codon 545 of the GAA mRNA. It is a 'silent' change, meaning that it does not change the encoded amino acid sequence of the GAA protein. It affects a nucleotide within the consensus splice site.

NM_000152.5(GAA):c.1635T>A (p.Pro545=)

Gene: GAA (alpha glucosidase; plus strand). Cytogenetic location: 17q25.3.
Variant type: single nucleotide variant.
Coding change: c.1635T>A on transcript NM_000152.5 (MANE Select); coding-DNA position 1635, T replaced by A.
Protein change: p.Pro545=; no amino-acid change (proline 545 retained).
Molecular consequence: synonymous variant.
Genome position (GRCh38, 1-based): chr17:80,111,024, T>A. VCF-style: chr17-80111024-T-A. GRCh37 (hg19) VCF-style: chr17-78084823-T-A.
Other names: c.1635T>A, p.Pro545= (NM_001079803.3, NM_001079804.3, NM_001406741.1 and 1 more transcripts).
Identifiers: ClinVar variation 2755203 (VCV002755203.3), dbSNP rs2510375245, ClinGen allele CA502178737.